The following is an entry in ClinVar:

ClinVar aggregate classification (germline): Uncertain significance. Review status: criteria provided, multiple submitters, no conflicts (2 of 4 stars). 3 submissions from 3 submitters: Uncertain significance (3). Last evaluated 2025-01-01.

Conditions:
Antley-Bixler syndrome with genital anomalies and disordered steroidogenesis (ABS1). Also called: POR Deficiency. Identifiers: Orphanet 63269, MedGen C3150099, MONDO:0008726, OMIM 201750.
Antley-Bixler syndrome without genital anomalies or disordered steroidogenesis (ABS2). Also called: Antley-Bixler Syndrome, Autosomal Dominant; MULTISYNOSTOTIC OSTEODYSGENESIS WITH LONG BONE FRACTURES; Trapezoidocephaly synostosis syndrome; Osteodysgenesis, multisynostotic with fractures. Identifiers: Orphanet 596008, Orphanet 83, MedGen C2936791, MONDO:0020667, OMIM 207410.
Congenital adrenal hyperplasia due to cytochrome P450 oxidoreductase deficiency. Also called: DISORDERED STEROIDOGENESIS DUE TO POR DEFICIENCY. Identifiers: Orphanet 95699, MedGen C1860042, MONDO:0013310, OMIM 613571.
Inborn genetic diseases. Identifiers: MedGen C0950123, MeSH D030342.

Allele frequency attached by ClinVar (database versions not stated): TOPMed 0.00001.

Submissions (3):

Ambry Genetics
Classification: Uncertain significance for Inborn genetic diseases. Last evaluated: 2025-01-01. Review status: criteria provided, single submitter. Criteria: Ambry Variant Classification Scheme 2023. Collection method: clinical testing. Allele origin: germline.

Labcorp Genetics (formerly Invitae), Labcorp
Classification: Uncertain significance for Congenital adrenal hyperplasia due to cytochrome P450 oxidoreductase deficiency. Last evaluated: 2024-01-24. Review status: criteria provided, single submitter. Criteria: Invitae Variant Classification Sherloc (09022015). Collection method: clinical testing. Allele origin: germline.
Comment: This sequence change replaces glutamic acid, which is acidic and polar, with aspartic acid, which is acidic and polar, at codon 196 of the POR protein (p.Glu196Asp). This variant is not present in population databases (gnomAD no frequency). This variant has not been reported in the literature in individuals affected with POR-related conditions. ClinVar contains an entry for this variant (Variation ID: 1965905). Advanced modeling of protein sequence and biophysical properties (such as structural, functional, and spatial information, amino acid conservation, physicochemical variation, residue mobility, and thermodynamic stability) performed at Invitae indicates that this missense variant is not expected to disrupt POR protein function with a negative predictive value of 80%. In summary, the available evidence is currently insufficient to determine the role of this variant in disease. Therefore, it has been classified as a Variant of Uncertain Significance.

Department of Pathology and Laboratory Medicine, Sinai Health System
Classification: Uncertain significance for Antley-Bixler syndrome with genital anomalies and disordered steroidogenesis; Antley-Bixler syndrome without genital anomalies or disordered steroidogenesis; Congenital adrenal hyperplasia due to cytochrome P450 oxidoreductase deficiency. Last evaluated: 2022-02-03. Review status: criteria provided, single submitter. Criteria: ACMG Guidelines, 2015. Collection method: research. Allele origin: germline.

NM_001395413.1(POR):c.579G>C (p.Glu193Asp)

Gene: POR (cytochrome p450 oxidoreductase; plus strand). Cytogenetic location: 7q11.23.
Variant type: single nucleotide variant.
Coding change: c.579G>C on transcript NM_001395413.1 (MANE Select); coding-DNA position 579, G replaced by C.
Protein change: p.Glu193Asp; replaces glutamic acid 193 with aspartic acid.
Molecular consequence: missense variant.
Genome position (GRCh38, 1-based): chr7:75,981,119, G>C. VCF-style: chr7-75981119-G-C. GRCh37 (hg19) VCF-style: chr7-75610437-G-C.
Other names: c.642G>C (NM_001382655.1); c.588G>C, p.Glu196Asp (NM_000941.2, NM_000941.3); c.579G>C, p.Glu193Asp (NM_001367562.3, NM_001382657.2, NM_001382658.3 and 2 more transcripts); c.633G>C, p.Glu211Asp (NM_001382655.3); short protein forms E193D, E211D, E196D.
Identifiers: ClinVar variation 1965905 (VCV001965905.5), dbSNP rs962282073, ClinGen allele CA160903587.